The following is an entry in ClinVar:

ClinVar aggregate classification (germline): Conflicting classifications of pathogenicity. Review status: criteria provided, conflicting classifications (1 of 4 stars). 6 submissions from 6 submitters: Uncertain significance (5); Benign (1). Last evaluated 2025-12-11.

Conditions:
Weill-Marchesani syndrome 2, dominant. Also called: FBN1-Related Weill-Marchesani Syndrome; Weill-Marchesani Syndrome, Autosomal Dominant. Identifiers: Orphanet 2084, MedGen C1869115, MONDO:0012013, OMIM 608328.
Progeroid and marfanoid aspect-lipodystrophy syndrome. Also called: MARFANOID-PROGEROID SYNDROME; MARFAN-PROGEROID-LIPODYSTROPHY SYNDROME; Marfan lipodystrophy syndrome; MARFANOID-PROGEROID-LIPODYSTROPHY SYNDROME. Identifiers: Orphanet 300382, MedGen C4310796, MONDO:0014831, OMIM 616914.
Acromicric dysplasia (ACMICD). Also called: Acromicric skeletal dysplasia. Identifiers: Orphanet 969, MedGen C0265287, MONDO:0007055, OMIM 102370.
Ectopia lentis 1, isolated, autosomal dominant (ECTOL1). Identifiers: Orphanet 1885, MedGen C3541518, MONDO:0007514, OMIM 129600.
Geleophysic dysplasia 2 (GPHYSD2). Identifiers: Orphanet 2623, MedGen C3280054, MONDO:0013612, OMIM 614185.
Marfan syndrome (MFS). Also called: Marfan syndrome, classic; Marfan syndrome type 1; Marfan's syndrome; FBN1-Related Marfan Syndrome; MARFAN SYNDROME, TYPE I. Identifiers: Orphanet 284963, Orphanet 558, MedGen C0024796, MONDO:0007947, OMIM 154700.
MASS syndrome (OCTD). Also called: OVERLAP CONNECTIVE TISSUE DISEASE; MASS PHENOTYPE. Identifiers: MedGen C1858556, MONDO:0011431, OMIM 604308.
Stiff skin syndrome (SSKS). Identifiers: Orphanet 2833, MedGen C1861456, MONDO:0008492, OMIM 184900.
Familial thoracic aortic aneurysm and aortic dissection (TAAD). Also called: Thoracic aortic aneurysms and dissections. Identifiers: Orphanet 91387, MedGen C4707243, MONDO:0019625.

Allele frequency attached by ClinVar (database versions not stated): TOPMed 0.00002.
gnomAD v4.1: 2 of 1,613,500 alleles (0.00012%); highest among the groups gnomAD compares: African/African-American, 0.0027%; no homozygotes.

Submissions (6):

Ambry Genetics
Classification: Uncertain significance for Familial thoracic aortic aneurysm and aortic dissection. Last evaluated: 2025-12-11. Review status: criteria provided, single submitter. Criteria: Ambry Variant Classification Scheme 2023. Collection method: clinical testing. Allele origin: germline.
Comment: The p.N120I variant (also known as c.359A>T), located in coding exon 4 of the FBN1 gene, results from an A to T substitution at nucleotide position 359. The asparagine at codon 120 is replaced by isoleucine, an amino acid with dissimilar properties. This amino acid position is highly conserved in available vertebrate species. In addition, the in silico prediction for this alteration is inconclusive. Since supporting evidence is limited at this time, the clinical significance of this alteration remains unclear.

Color Diagnostics, LLC DBA Color Health
Classification: Uncertain significance for Familial thoracic aortic aneurysm and aortic dissection. Last evaluated: 2024-03-06. Review status: criteria provided, single submitter. Criteria: ACMG Guidelines, 2015. Collection method: clinical testing. Allele origin: germline.
Comment: This missense variant replaces asparagine with isoleucine at codon 120 of the FBN1 protein. Computational prediction suggests that this variant may not impact protein structure and function (internally defined REVEL score threshold <= 0.5, PMID: 27666373). To our knowledge, functional studies have not been reported for this variant. This variant has not been reported in individuals affected with cardiovascular disorders in the literature. This variant has been identified in 1/250786 chromosomes in the general population by the Genome Aggregation Database (gnomAD). The available evidence is insufficient to determine the role of this variant in disease conclusively. Therefore, this variant is classified as a Variant of Uncertain Significance.

Labcorp Genetics (formerly Invitae), Labcorp
Classification: Benign for Marfan syndrome; Familial thoracic aortic aneurysm and aortic dissection. Last evaluated: 2023-08-25. Review status: criteria provided, single submitter. Criteria: Invitae Variant Classification Sherloc (09022015). Collection method: clinical testing. Allele origin: germline.

All of Us Research Program, National Institutes of Health
Classification: Uncertain significance for Marfan syndrome. Last evaluated: 2023-06-26. Review status: criteria provided, single submitter. Criteria: ACMG Guidelines, 2015. Collection method: clinical testing. Allele origin: germline. Inheritance: Autosomal dominant inheritance. Observed: 3 variant alleles, 3 heterozygotes.
Comment: This missense variant replaces asparagine with isoleucine at codon 120 of the FBN1 protein. Computational prediction suggests that this variant may not impact protein structure and function (internally defined REVEL score threshold <= 0.5, PMID: 27666373). To our knowledge, functional studies have not been reported for this variant. This variant has not been reported in individuals affected with cardiovascular disorders in the literature. This variant has been identified in 1/250786 chromosomes in the general population by the Genome Aggregation Database (gnomAD). The available evidence is insufficient to determine the role of this variant in disease conclusively. Therefore, this variant is classified as a Variant of Uncertain Significance.

This study involves interpretation of variants in research participants for the purpose of population health screening. Participant phenotype was not available at the time of variant classification. Additional details can be found in publication PMID: 35346344, PMCID: PMC8962531

GeneDx
Classification: Uncertain significance. Last evaluated: 2022-08-16. Review status: criteria provided, single submitter. Criteria: GeneDx Variant Classification Process June 2021. Collection method: clinical testing. Allele origin: germline. Affected: yes.
Comment: Not observed at significant frequency in large population cohorts (gnomAD); In silico analysis supports that this missense variant has a deleterious effect on protein structure/function; Has not been previously published as pathogenic or benign to our knowledge; Does not affect a cysteine residue within a calcium-binding EGF-like domain or a TGF-binding protein domain of the FBN1 gene; cysteine substitutions in the calcium-binding EGF-like domains represent the majority of pathogenic missense changes associated with FBN1-related disorders (Collod-Beroud et al., 2003); This variant is associated with the following publications: (PMID: 12938084)

Fulgent Genetics
Classification: Uncertain significance for Acromicric dysplasia; Ectopia lentis 1, isolated, autosomal dominant; Marfan syndrome; Stiff skin syndrome; MASS syndrome; Weill-Marchesani syndrome 2, dominant; Geleophysic dysplasia 2; Progeroid and marfanoid aspect-lipodystrophy syndrome. Last evaluated: 2021-10-16. Review status: criteria provided, single submitter. Criteria: ACMG Guidelines, 2015. Collection method: clinical testing. Allele origin: unknown.

NM_000138.5(FBN1):c.359A>T (p.Asn120Ile)

Gene: FBN1 (fibrillin 1; minus strand). Cytogenetic location: 15q21.1.
Variant type: single nucleotide variant.
Coding change: c.359A>T on transcript NM_000138.5 (MANE Select); coding-DNA position 359, A replaced by T.
Protein change: p.Asn120Ile; replaces asparagine 120 with isoleucine.
Molecular consequence: missense variant.
Genome position (GRCh38, 1-based): chr15:48,600,222, T>A on the plus strand (A>T on the coding strand, the complement: FBN1 is on the minus strand). VCF-style: chr15-48600222-T-A. GRCh37 (hg19) VCF-style: chr15-48892419-T-A.
Other names: short protein forms N120I.
Identifiers: ClinVar variation 925148 (VCV000925148.14), dbSNP rs753900024, ClinGen allele CA392446615.